The following is an entry in ClinVar:

NM_000540.3(RYR1):c.6548G>C (p.Gly2183Ala)

Gene: RYR1 (ryanodine receptor 1; plus strand). Cytogenetic location: 19q13.2.
Variant type: single nucleotide variant.
Coding change: c.6548G>C on transcript NM_000540.3 (MANE Select); coding-DNA position 6548, G replaced by C.
Protein change: p.Gly2183Ala; replaces glycine 2183 with alanine.
Molecular consequence: missense variant.
Genome position (GRCh38, 1-based): chr19:38,494,625, G>C. VCF-style: chr19-38494625-G-C. GRCh37 (hg19) VCF-style: chr19-38985265-G-C.
Other names: c.6548G>C, p.Gly2183Ala (NM_001042723.2); short protein forms G2183A.
Identifiers: ClinVar variation 478258 (VCV000478258.8), dbSNP rs959170123, ClinGen allele CA405664484.
Genomic context (GRCh38, chr19:38,494,625, plus strand): 5'-GCTCGCTGCTCATCGTGCAGATGGGCCCCCAGGAGGAGAACCTCATGATCCAGAGCATCG[G>C]GTGAGACACCGCCCTTCCCCCTTACTTTGCATATCCCCTTGGGTAATGAATACCCTCAGG-3'
Protein context (NP_000531.2, residues 2173-2193): QEENLMIQSI[Gly2183Ala]NIMNNKVFYQ

ClinVar aggregate classification (germline): Uncertain significance (1 of 4 stars; one submission).

Conditions:
RYR1-related disorder. Also called: RYR1-related condition; RYR1-related disorders. Identifiers: MedGen CN239331.

Submission:

Labcorp Genetics (formerly Invitae), Labcorp
Classification: Uncertain significance for RYR1-related disorder. Last evaluated: 2022-03-19. Review status: criteria provided, single submitter. Criteria: Invitae Variant Classification Sherloc (09022015). Collection method: clinical testing. Allele origin: germline.
Comment: This sequence change replaces glycine, which is neutral and non-polar, with alanine, which is neutral and non-polar, at codon 2183 of the RYR1 protein (p.Gly2183Ala). This variant also falls at the last nucleotide of exon 39, which is part of the consensus splice site for this exon. This variant is not present in population databases (gnomAD no frequency). This variant has not been reported in the literature in individuals affected with RYR1-related conditions. ClinVar contains an entry for this variant (Variation ID: 478258). Algorithms developed to predict the effect of missense changes on protein structure and function are either unavailable or do not agree on the potential impact of this missense change (SIFT: "Deleterious"; PolyPhen-2: "Benign"; Align-GVGD: "Class C0"). Variants that disrupt the consensus splice site are a relatively common cause of aberrant splicing (PMID: 17576681, 9536098). Algorithms developed to predict the effect of sequence changes on RNA splicing suggest that this variant may disrupt the consensus splice site. In summary, the available evidence is currently insufficient to determine the role of this variant in disease. Therefore, it has been classified as a Variant of Uncertain Significance.

Literature cited by the submitters: PubMed 17576681; PubMed 9536098.